The following is an entry in ClinVar:

ClinVar aggregate classification (germline): Likely pathogenic (1 of 4 stars; one submission).

Conditions:
Cardiovascular phenotype. Identifiers: MedGen CN230736.

Submission:

Ambry Genetics
Classification: Likely pathogenic for Cardiovascular phenotype. Last evaluated: 2025-05-27. Review status: criteria provided, single submitter. Criteria: Ambry Variant Classification Scheme 2023. Collection method: clinical testing. Allele origin: germline.
Comment: The c.12092_12093delAC variant, located in coding exon 44 of the TTN gene, results from a deletion of two nucleotides at nucleotide positions 12092 to 12093, causing a translational frameshift with a predicted alternate stop codon (p.N4031Tfs*23). This exon is located in the I-band region of the N2-B isoform of the titin protein and is constitutively expressed in TTN transcripts (percent spliced in or PSI 100%). This variant is expected to result in loss of function by premature protein truncation or nonsense-mediated mRNA decay. While truncating variants in TTN are present in 1-3% of the general population, truncating variants in the A-band are the most common cause of dilated cardiomyopathy (Herman DS et al. N. Engl. J. Med., 2012 Feb;366:619-28; Roberts AM et al. Sci Transl Med, 2015 Jan;7:270ra6). TTN truncating variants encoded in constitutive exons (PSI >90%) have been found to be significantly associated with DCM regardless of their position in titin (Schafer S et al. Nat. Genet., 2017 01;49:46-53; Akhtar MM et al. Circ Heart Fail, 2020 Oct;13:e006832; Massier M et al. Clin Genet, 2025 Jan). This variant is considered to be rare based on population cohorts in the Genome Aggregation Database (gnomAD). Based on the majority of available evidence to date, this variant is likely to be pathogenic.

NM_001267550.2(TTN):c.13181_13182del (p.Asn4394fs)

Gene: TTN (titin; minus strand). Cytogenetic location: 2q31.2.
Variant type: Deletion.
Coding change: c.13181_13182del on transcript NM_001267550.2 (MANE Select); coding-DNA positions 13181 to 13182, 2 bases deleted (AC; older notation c.13181_13182delAC).
Protein change: p.Asn4394fs; shifts the reading frame from asparagine 4394.
Molecular consequence: frameshift variant. On other transcripts: intron variant (1).
Genome position (GRCh38, 1-based): chr2:178,740,051-178,740,052, GT deleted on the plus strand (AC on the coding strand, the reverse complement: TTN is on the minus strand). VCF-style (leftmost placement, unchanged base first): chr2-178740050-GGT-G. GRCh37 (hg19) VCF-style: chr2-179604777-GGT-G.
Other names: c.12230_12231del, p.Asn4077fs (NM_001256850.1); c.12092_12093del, p.Asn4031fs (NM_003319.4); c.12467_12468del, p.Asn4156fs (NM_133432.3); c.12668_12669del, p.Asn4223fs (NM_133437.4); c.10361-1692_10361-1691del (NM_133378.4); c.12092_12093delAC (NM_003319.4); short protein forms N4156fs, N4223fs, N4031fs, N4077fs, N4394fs.
Identifiers: ClinVar variation 1749404 (VCV001749404.3), dbSNP rs2530636896, ClinGen allele CA2580065111.